The following is an entry in ClinVar:

ClinVar aggregate classification (germline): Likely benign (1 of 4 stars; one submission).

gnomAD v4.1: 2 of 1,211,938 alleles (0.00017%); highest among the groups gnomAD compares: South Asian, 0.0035%; no homozygotes.

Submission:

CeGaT Center for Human Genetics Tuebingen
Classification: Likely benign. Last evaluated: 2025-02-01. Review status: criteria provided, single submitter. Criteria: CeGaT Center For Human Genetics Tuebingen Variant Classification Criteria Version 2. Collection method: clinical testing. Allele origin: germline. Affected: yes. Observed: 1 variant allele.
Comment: SRPX2: BP4, BP7

NM_014467.3(SRPX2):c.1359G>A (p.Glu453=)

Gene: SRPX2 (sushi repeat containing protein X-linked 2; plus strand). Cytogenetic location: Xq22.1.
Variant type: single nucleotide variant.
Coding change: c.1359G>A on transcript NM_014467.3 (MANE Select); coding-DNA position 1359, G replaced by A.
Protein change: p.Glu453=; no amino-acid change (glutamic acid 453 retained).
Molecular consequence: synonymous variant.
Genome position (GRCh38, 1-based): chrX:100,670,948, G>A. VCF-style: chrX-100670948-G-A. GRCh37 (hg19) VCF-style: chrX-99925945-G-A.
Identifiers: ClinVar variation 3772507 (VCV003772507.13).
Genomic context (GRCh38, chrX:100,670,948, plus strand): 5'-ACCTGTCACCCCCGAGGAAATCTTCACATTCATTGATGACTACCTACTGAGCAATCAGGA[G>A]TTGACCCAGCGTCGGGAGCAAAGGGACATATGCGAGTGAACTTGAGCCAGGGCATGGTTA-3'
Protein context (NP_055282.1, residues 443-463): FIDDYLLSNQ[Glu453=]LTQRREQRDI